The following is an entry in ClinVar:

NM_005732.4(RAD50):c.3268A>G (p.Lys1090Glu)

Gene: RAD50 (RAD50 double strand break repair protein; plus strand). Cytogenetic location: 5q31.1.
Variant type: single nucleotide variant.
Coding change: c.3268A>G on transcript NM_005732.4 (MANE Select); coding-DNA position 3268, A replaced by G.
Protein change: p.Lys1090Glu; replaces lysine 1090 with glutamic acid.
Molecular consequence: missense variant.
Genome position (GRCh38, 1-based): chr5:132,618,173, A>G. VCF-style: chr5-132618173-A-G. GRCh37 (hg19) VCF-style: chr5-131953865-A-G.
Other names: short protein forms K1090E.
Identifiers: ClinVar variation 1729585 (VCV001729585.2), dbSNP rs1462062218, ClinGen allele CA360964608.

ClinVar aggregate classification (germline): Uncertain significance (1 of 4 stars; one submission).

Conditions:
Hereditary cancer-predisposing syndrome. Also called: Neoplastic Syndromes, Hereditary; Tumor predisposition; Hereditary Cancer Syndrome; Hereditary neoplastic syndrome. Identifiers: Orphanet 140162, MedGen C0027672, MeSH D009386, MONDO:0015356.

Allele frequency attached by ClinVar (database versions not stated): gnomAD exomes below 0.00001; TOPMed below 0.00001; gnomAD 0.00001.
gnomAD v4.1: 4 of 1,613,850 alleles (0.00025%); highest among the groups gnomAD compares: Non-Finnish European, 0.00034%; no homozygotes.

Submission:

Ambry Genetics
Classification: Uncertain significance for Hereditary cancer-predisposing syndrome. Last evaluated: 2021-06-28. Review status: criteria provided, single submitter. Criteria: Ambry Variant Classification Scheme 2023. Collection method: clinical testing. Allele origin: germline.
Comment: The p.K1090E variant (also known as c.3268A>G), located in coding exon 21 of the RAD50 gene, results from an A to G substitution at nucleotide position 3268. The lysine at codon 1090 is replaced by glutamic acid, an amino acid with similar properties. This amino acid position is conserved. In addition, the in silico prediction for this alteration is inconclusive. Since supporting evidence is limited at this time, the clinical significance of this alteration remains unclear.